The following is an entry in ClinVar:

ClinVar aggregate classification (germline): Conflicting classifications of pathogenicity. Review status: criteria provided, conflicting classifications (1 of 4 stars). 2 submissions from 2 submitters: Uncertain significance (1); Likely benign (1). Last evaluated 2026-04-28.

Conditions:
Hereditary cancer-predisposing syndrome. Also called: Tumor predisposition; Neoplastic Syndromes, Hereditary; Hereditary Cancer Syndrome; Hereditary neoplastic syndrome. Identifiers: Orphanet 140162, MedGen C0027672, MeSH D009386, MONDO:0015356.
Gorlin syndrome. Also called: Basal cell nevus syndrome; Nevoid Basal Cell Carcinoma Syndrome. Identifiers: Orphanet 377, MedGen C0004779, MONDO:0007187.

gnomAD v4.1: 5 of 1,440,200 alleles (0.00035%); highest among the groups gnomAD compares: Non-Finnish European, 0.00045%; no homozygotes.

Submissions (2):

Ambry Genetics
Classification: Likely benign for Hereditary cancer-predisposing syndrome. Last evaluated: 2026-04-28. Review status: criteria provided, single submitter. Criteria: Ambry Variant Classification Scheme 2023. Collection method: clinical testing. Allele origin: germline.

Labcorp Genetics (formerly Invitae), Labcorp
Classification: Uncertain significance for Gorlin syndrome. Last evaluated: 2021-09-02. Review status: criteria provided, single submitter. Criteria: Invitae Variant Classification Sherloc (09022015). Collection method: clinical testing. Allele origin: germline.
Comment: This sequence change replaces isoleucine with valine at codon 21 of the PTCH1 protein (p.Ile21Val). The isoleucine residue is weakly conserved and there is a small physicochemical difference between isoleucine and valine. The frequency data for this variant in the population databases is considered unreliable, as metrics indicate insufficient coverage at this position in the ExAC database. This variant has not been reported in the literature in individuals affected with PTCH1-related conditions. Advanced modeling of protein sequence and biophysical properties (such as structural, functional, and spatial information, amino acid conservation, physicochemical variation, residue mobility, and thermodynamic stability) performed at Invitae indicates that this missense variant is not expected to disrupt PTCH1 protein function. In summary, the available evidence is currently insufficient to determine the role of this variant in disease. Therefore, it has been classified as a Variant of Uncertain Significance.

NM_000264.5(PTCH1):c.61A>G (p.Ile21Val)

Genes: PTCH1 (patched 1; minus strand), LOC130002133 (ATAC-STARR-seq lymphoblastoid silent region 20071; plus strand). Cytogenetic location: 9q22.32.
Variant type: single nucleotide variant.
Coding change: c.61A>G on transcript NM_000264.5 (MANE Select); coding-DNA position 61, A replaced by G.
Protein change: p.Ile21Val; replaces isoleucine 21 with valine.
Molecular consequence: missense variant. On other transcripts: non-coding transcript variant (1), intron variant (3).
Genome position (GRCh38, 1-based): chr9:95,508,301, T>C on the plus strand (A>G on the coding strand, the complement: PTCH1 is on the minus strand). VCF-style: chr9-95508301-T-C. GRCh37 (hg19) VCF-style: chr9-98270583-T-C.
Other names: c.61A>G (NM_000264.3); c.61A>G, p.Ile21Val (NM_001354918.2); c.199-1702A>G (NM_001083603.3); c.4-1702A>G (NM_001083602.3, NM_001354919.2); short protein forms I21V.
Identifiers: ClinVar variation 1410721 (VCV001410721.7), dbSNP rs756724967, ClinGen allele CA374121494.